The following is an entry in ClinVar:

NM_001195263.2(PDZD7):c.2105C>T (p.Pro702Leu)

Gene: PDZD7 (PDZ domain containing 7; minus strand). Cytogenetic location: 10q24.31.
Variant type: single nucleotide variant.
Coding change: c.2105C>T on transcript NM_001195263.2 (MANE Select); coding-DNA position 2105, C replaced by T.
Protein change: p.Pro702Leu; replaces proline 702 with leucine.
Molecular consequence: missense variant.
Genome position (GRCh38, 1-based): chr10:101,010,784, G>A on the plus strand (C>T on the coding strand, the complement: PDZD7 is on the minus strand). VCF-style: chr10-101010784-G-A. GRCh37 (hg19) VCF-style: chr10-102770541-G-A.
Other names: short protein forms P702L.
Identifiers: ClinVar variation 2999800 (VCV002999800.2), dbSNP rs2492783859, ClinGen allele CA378225228.

ClinVar aggregate classification (germline): Uncertain significance (1 of 4 stars; one submission).

Submission:

Labcorp Genetics (formerly Invitae), Labcorp
Classification: Uncertain significance. Last evaluated: 2023-12-09. Review status: criteria provided, single submitter. Criteria: Invitae Variant Classification Sherloc (09022015). Collection method: clinical testing. Allele origin: germline.
Comment: This sequence change replaces proline, which is neutral and non-polar, with leucine, which is neutral and non-polar, at codon 702 of the PDZD7 protein (p.Pro702Leu). This variant is not present in population databases (gnomAD no frequency). This variant has not been reported in the literature in individuals affected with PDZD7-related conditions. Advanced modeling of protein sequence and biophysical properties (such as structural, functional, and spatial information, amino acid conservation, physicochemical variation, residue mobility, and thermodynamic stability) performed at Invitae indicates that this missense variant is not expected to disrupt PDZD7 protein function with a negative predictive value of 80%. In summary, the available evidence is currently insufficient to determine the role of this variant in disease. Therefore, it has been classified as a Variant of Uncertain Significance.